The following is an entry in ClinVar:

ClinVar aggregate classification (germline): Likely benign (1 of 4 stars; one submission).

Submission:

GeneDx
Classification: Likely benign. Last evaluated: 2020-11-20. Review status: criteria provided, single submitter. Criteria: GeneDx Variant Classification Process June 2021. Collection method: clinical testing. Allele origin: germline. Affected: yes.
Comment: See Variant Classification Assertion Criteria.

NM_001111067.4(ACVR1):c.68-26_68-25del

Gene: ACVR1 (activin A receptor type 1; minus strand). Cytogenetic location: 2q24.1.
Variant type: Deletion.
Coding change: c.68-26_68-25del on transcript NM_001111067.4 (MANE Select); 26 bases into the intron before coding-DNA position 68 through 25 bases into the intron before coding-DNA position 68, 2 bases deleted (TT; older notation c.68-26_68-25delTT).
Molecular consequence: intron variant.
Genome position (GRCh38, 1-based): chr2:157,780,625-157,780,626, AA deleted on the plus strand (TT on the coding strand, the reverse complement: ACVR1 is on the minus strand); deleting any 2 consecutive bases within chr2:157,780,625-157,780,638 gives the same sequence; the c. name uses the placement nearest the transcript's 3' end. VCF-style (leftmost placement, unchanged base first): chr2-157780624-GAA-G. GRCh37 (hg19) VCF-style: chr2-158637136-GAA-G.
Other names: c.68-26_68-25del (NM_001347665.1, NM_001347664.1, NM_001347666.1 and 3 more transcripts).
Identifiers: ClinVar variation 1706968 (VCV001706968.2), dbSNP rs77640967, ClinGen allele CA1919237.
Genomic context (GRCh38, chr2:157,780,624, plus strand): 5'-CACATGTAGAGTTTGGGGTTGACCTTGGGCTTCTCATCTGCAAAGGAGAGAAAGGAAGGG[GAA>G]AAAAAAAAAAAAGAGGAATTACCGTATGAGTTTCACCTTCATTGAGGGAATGACCATTCC-3'